The following is an entry in ClinVar:

NM_025103.4(IFT74):c.679C>G (p.Gln227Glu)

Gene: IFT74 (intraflagellar transport 74; plus strand). Cytogenetic location: 9p21.2.
Variant type: single nucleotide variant.
Coding change: c.679C>G on transcript NM_025103.4 (MANE Select); coding-DNA position 679, C replaced by G.
Protein change: p.Gln227Glu; replaces glutamine 227 with glutamic acid.
Molecular consequence: missense variant.
Genome position (GRCh38, 1-based): chr9:27,009,111, C>G. VCF-style: chr9-27009111-C-G. GRCh37 (hg19) VCF-style: chr9-27009109-C-G.
Other names: c.679C>G, p.Gln227Glu (NM_001099222.3, NM_001099223.3, NM_001099224.3 and 1 more transcripts); c.679C>G (NM_025103.2); short protein forms Q227E.
Identifiers: ClinVar variation 2017972 (VCV002017972.6), dbSNP rs558577216, ClinGen allele CA5015345.

ClinVar aggregate classification (germline): Uncertain significance. Review status: criteria provided, single submitter (1 of 4 stars). 2 submissions from 2 submitters: Uncertain significance (1). 1 of the submissions does not count toward it. Last evaluated 2022-07-17.

Conditions:
IFT74-related disorder. Also called: IFT74-Related Disorders; IFT74-related condition.

Submissions (2):

Labcorp Genetics (formerly Invitae), Labcorp
Classification: Uncertain significance. Last evaluated: 2022-07-17. Review status: criteria provided, single submitter. Criteria: Invitae Variant Classification Sherloc (09022015). Collection method: clinical testing. Allele origin: germline.
Comment: This sequence change replaces glutamine, which is neutral and polar, with glutamic acid, which is acidic and polar, at codon 227 of the IFT74 protein (p.Gln227Glu). This variant is present in population databases (rs558577216, gnomAD 0.007%). This variant has not been reported in the literature in individuals affected with IFT74-related conditions. Algorithms developed to predict the effect of missense changes on protein structure and function (SIFT, PolyPhen-2, Align-GVGD) all suggest that this variant is likely to be tolerated. In summary, the available evidence is currently insufficient to determine the role of this variant in disease. Therefore, it has been classified as a Variant of Uncertain Significance.

PreventionGenetics, part of Exact Sciences
Classification: Uncertain significance for IFT74-related condition. Last evaluated: 2024-02-17. Review status: no assertion criteria provided. Collection method: clinical testing. Allele origin: germline. Not counted in ClinVar's aggregate classification.
Comment: The IFT74 c.679C>G variant is predicted to result in the amino acid substitution p.Gln227Glu. To our knowledge, this variant has not been reported in the literature. This variant is reported in 0.0065% of alleles in individuals of African descent in gnomAD. At this time, the clinical significance of this variant is uncertain due to the absence of conclusive functional and genetic evidence.